The following is an entry in ClinVar:

NM_001376.5(DYNC1H1):c.10346A>C (p.Glu3449Ala)

Gene: DYNC1H1 (dynein cytoplasmic 1 heavy chain 1; plus strand). Cytogenetic location: 14q32.31.
Variant type: single nucleotide variant.
Coding change: c.10346A>C on transcript NM_001376.5 (MANE Select); coding-DNA position 10346, A replaced by C.
Protein change: p.Glu3449Ala; replaces glutamic acid 3449 with alanine.
Molecular consequence: missense variant.
Genome position (GRCh38, 1-based): chr14:102,033,417, A>C. VCF-style: chr14-102033417-A-C. GRCh37 (hg19) VCF-style: chr14-102499754-A-C.
Other names: short protein forms E3449A.
Identifiers: ClinVar variation 546289 (VCV000546289.2), dbSNP rs1555411398, ClinGen allele CA391024405.

ClinVar aggregate classification (germline): Uncertain significance (1 of 4 stars; one submission).

Submission:

GeneDx
Classification: Uncertain significance. Last evaluated: 2018-05-22. Review status: criteria provided, single submitter. Criteria: GeneDx Variant Classification (06012015). Collection method: clinical testing. Allele origin: germline. Affected: yes.
Comment: The E3449A variant in the DYNC1H1 gene has not been reported previously as a pathogenic variant, nor as a benign variant, to our knowledge. This variant is not observed in large population cohorts (Lek et al., 2016). The E3449A variant is a non-conservative amino acid substitution, which is likely to impact secondary protein structure as these residues differ in polarity, charge, size and/or other properties. In-silico analyses, including protein predictors and evolutionary conservation, support a deleterious effect. We interpret E3449A as a variant of uncertain significance.